The following is an entry in ClinVar:

NM_004369.4(COL6A3):c.4361A>T (p.His1454Leu)

Gene: COL6A3 (collagen type VI alpha 3 chain; minus strand). Cytogenetic location: 2q37.3.
Variant type: single nucleotide variant.
Coding change: c.4361A>T on transcript NM_004369.4 (MANE Select); coding-DNA position 4361, A replaced by T.
Protein change: p.His1454Leu; replaces histidine 1454 with leucine.
Molecular consequence: missense variant.
Genome position (GRCh38, 1-based): chr2:237,369,102, T>A on the plus strand (A>T on the coding strand, the complement: COL6A3 is on the minus strand). VCF-style: chr2-237369102-T-A. GRCh37 (hg19) VCF-style: chr2-238277745-T-A.
Other names: c.2540A>T, p.His847Leu (NM_057166.5); c.3743A>T, p.His1248Leu (NM_057167.4); short protein forms H1248L, H1454L, H847L.
Identifiers: ClinVar variation 5016741 (VCV005016741.1).

ClinVar aggregate classification (germline): Uncertain significance (1 of 4 stars; one submission).

Submission:

GeneDx
Classification: Uncertain significance. Last evaluated: 2026-03-27. Review status: criteria provided, single submitter. Criteria: GeneDx Variant Classification Process June 2021. Collection method: clinical testing. Allele origin: germline.
Comment: Not observed at significant frequency in large population cohorts (gnomAD); In silico analysis supports that this missense variant has a deleterious effect on protein structure/function; Has not been previously published as pathogenic or benign to our knowledge